The following is an entry in ClinVar:

ClinVar aggregate classification (germline): Uncertain significance (1 of 4 stars; one submission).

Conditions:
Mucopolysaccharidosis type 1. Also called: Mucopolysaccharidosis Type I; IDUA deficiency; MPS I. Identifiers: Orphanet 579, MedGen C0023786, MONDO:0001586.

gnomAD v4.1: 3 of 1,610,362 alleles (0.00019%); highest among the groups gnomAD compares: African/African-American, 0.004%; no homozygotes.

Submission:

Labcorp Genetics (formerly Invitae), Labcorp
Classification: Uncertain significance for Mucopolysaccharidosis type 1. Last evaluated: 2025-06-04. Review status: criteria provided, single submitter. Criteria: Invitae Variant Classification Sherloc (09022015). Collection method: clinical testing. Allele origin: germline.
Comment: This sequence change replaces proline, which is neutral and non-polar, with alanine, which is neutral and non-polar, at codon 81 of the IDUA protein (p.Pro81Ala). This variant is not present in population databases (gnomAD no frequency). This variant has not been reported in the literature in individuals affected with IDUA-related conditions. Invitae Evidence Modeling of protein sequence and biophysical properties (such as structural, functional, and spatial information, amino acid conservation, physicochemical variation, residue mobility, and thermodynamic stability) indicates that this missense variant is expected to disrupt IDUA protein function with a positive predictive value of 80%. In summary, the available evidence is currently insufficient to determine the role of this variant in disease. Therefore, it has been classified as a Variant of Uncertain Significance.

NM_000203.5(IDUA):c.241C>G (p.Pro81Ala)

Genes: IDUA (alpha-L-iduronidase; plus strand), SLC26A1 (solute carrier family 26 member 1; minus strand). Cytogenetic location: 4p16.3.
Variant type: single nucleotide variant.
Coding change: c.241C>G on transcript NM_000203.5 (MANE Select); coding-DNA position 241, C replaced by G.
Protein change: p.Pro81Ala; replaces proline 81 with alanine.
Molecular consequence: missense variant. On other transcripts: 3 prime UTR variant (2), non-coding transcript variant (1), intron variant (1).
Genome position (GRCh38, 1-based): chr4:987,891, C>G. VCF-style: chr4-987891-C-G. GRCh37 (hg19) VCF-style: chr4-981679-C-G.
Other names: c.*942G>C (NM_022042.4, NM_213613.4); c.576+3237G>C (NM_134425.4); short protein forms P81A.
Identifiers: ClinVar variation 4708619 (VCV004708619.1).
Genomic context (GRCh38, chr4:987,891, plus strand): 5'-GCTGACCAGTACGTCCTCAGCTGGGACCAGCAGCTCAACCTCGCCTATGTGGGCGCCGTC[C>G]CTCACCGCGGCATCAAGCAGGTCCGGACCCACTGGCTGCTGGAGCTTGTCACCACCAGGT-3'
Protein context (NP_000194.2, residues 71-91): QLNLAYVGAV[Pro81Ala]HRGIKQVRTH